The following is an entry in ClinVar:

ClinVar aggregate classification (germline): Benign (0 of 4 stars; one submission).

Conditions:
LRP1B-related disorder. Also called: LRP1B-related condition.

Allele frequency attached by ClinVar (database versions not stated): gnomAD exomes 0.00034; ExAC 0.00090; 1000 Genomes Project 0.00200; 1000 Genomes Project 30x 0.00250; gnomAD 0.00273; TOPMed 0.00323; ESP Exome Variant Server 0.00507.
gnomAD v4.1: 929 of 1,612,722 alleles (0.058%); highest among the groups gnomAD compares: African/African-American, 1.1%; 5 homozygotes.

Submission:

PreventionGenetics, part of Exact Sciences
Classification: Benign for LRP1B-related condition. Last evaluated: 2019-06-07. Review status: no assertion criteria provided. Collection method: clinical testing. Allele origin: germline.
Comment: This variant is classified as benign based on ACMG/AMP sequence variant interpretation guidelines (Richards et al. 2015 PMID: 25741868, with internal and published modifications).

NM_018557.3(LRP1B):c.3198C>T (p.Cys1066=)

Gene: LRP1B (LDL receptor related protein 1B; minus strand). Cytogenetic location: 2q22.1.
Variant type: single nucleotide variant.
Coding change: c.3198C>T on transcript NM_018557.3 (MANE Select); coding-DNA position 3198, C replaced by T.
Protein change: p.Cys1066=; no amino-acid change (cysteine 1066 retained).
Molecular consequence: synonymous variant.
Genome position (GRCh38, 1-based): chr2:140,923,086, G>A on the plus strand (C>T on the coding strand, the complement: LRP1B is on the minus strand). VCF-style: chr2-140923086-G-A. GRCh37 (hg19) VCF-style: chr2-141680655-G-A.
Identifiers: ClinVar variation 3044416 (VCV003044416.2), dbSNP rs113936693, ClinGen allele CA1895466.